The following is an entry in ClinVar:

NM_000553.6(WRN):c.632T>C (p.Leu211Pro)

Gene: WRN (WRN RecQ like helicase; plus strand). Cytogenetic location: 8p12.
Variant type: single nucleotide variant.
Coding change: c.632T>C on transcript NM_000553.6 (MANE Select); coding-DNA position 632, T replaced by C.
Protein change: p.Leu211Pro; replaces leucine 211 with proline.
Molecular consequence: missense variant.
Genome position (GRCh38, 1-based): chr8:31,067,160, T>C. VCF-style: chr8-31067160-T-C. GRCh37 (hg19) VCF-style: chr8-30924676-T-C.
Other names: short protein forms L211P.
Identifiers: ClinVar variation 1516550 (VCV001516550.6), dbSNP rs938648168, ClinGen allele CA174844837.
Genomic context (GRCh38, chr8:31,067,160, plus strand): 5'-AAGACAAGTCTATCCGCTGTAGCAATTGGAGTAAATTTCCTCTCACTGAGGACCAGAAAC[T>C]GTATGCAGCCACTGATGCTTATGTACGTGCTTAAAGATCTTTAGAAATTGTGATGTGTTT-3'
Protein context (NP_000544.2, residues 201-221): SKFPLTEDQK[Leu211Pro]YAATDAYAGF

ClinVar aggregate classification (germline): Uncertain significance (1 of 4 stars; one submission).

Conditions:
Werner syndrome (WRN). Identifiers: Orphanet 902, MedGen C0043119, MONDO:0010196, OMIM 277700.

Allele frequency attached by ClinVar (database versions not stated): gnomAD exomes below 0.00001; gnomAD 0.00002; TOPMed 0.00003.
gnomAD v4.1: 7 of 1,613,732 alleles (0.00043%); highest among the groups gnomAD compares: African/African-American, 0.008%; no homozygotes.

Submission:

Labcorp Genetics (formerly Invitae), Labcorp
Classification: Uncertain significance for Werner syndrome. Last evaluated: 2023-09-23. Review status: criteria provided, single submitter. Criteria: Invitae Variant Classification Sherloc (09022015). Collection method: clinical testing. Allele origin: germline.
Comment: In summary, the available evidence is currently insufficient to determine the role of this variant in disease. Therefore, it has been classified as a Variant of Uncertain Significance. An algorithm developed to predict the effect of missense changes on protein structure and function (PolyPhen-2) suggests that this variant is likely to be disruptive. ClinVar contains an entry for this variant (Variation ID: 1516550). This variant has not been reported in the literature in individuals affected with WRN-related conditions. This variant is not present in population databases (gnomAD no frequency). This sequence change replaces leucine, which is neutral and non-polar, with proline, which is neutral and non-polar, at codon 211 of the WRN protein (p.Leu211Pro).